The following is an entry in ClinVar:

ClinVar aggregate classification (germline): Uncertain significance. Review status: criteria provided, multiple submitters, no conflicts (2 of 4 stars). 2 submissions from 2 submitters: Uncertain significance (2). Last evaluated 2025-12-16.

Conditions:
Arrhythmogenic right ventricular dysplasia 5. Also called: Arrhythmogenic Right Ventricular Dysplasia/Cardiomyopathy 5; ARRHYTHMOGENIC RIGHT VENTRICULAR DYSPLASIA, FAMILIAL, 5. Identifiers: MedGen C1858379, MONDO:0011459, OMIM 604400.

Submissions (2):

Labcorp Genetics (formerly Invitae), Labcorp
Classification: Uncertain significance for Arrhythmogenic right ventricular dysplasia 5. Last evaluated: 2025-12-16. Review status: criteria provided, single submitter. Criteria: Invitae Variant Classification Sherloc (09022015). Collection method: clinical testing. Allele origin: germline.
Comment: This sequence change falls in intron 1 of the TMEM43 gene. It does not directly change the encoded amino acid sequence of the TMEM43 protein. It affects a nucleotide within the consensus splice site. This variant is not present in population databases (gnomAD no frequency). This variant has not been reported in the literature in individuals affected with TMEM43-related conditions. ClinVar contains an entry for this variant (Variation ID: 3386075). Variants that disrupt the consensus splice site are a relatively common cause of aberrant splicing (PMID: 17576681, 9536098). Algorithms developed to predict the effect of sequence changes on RNA splicing suggest that this variant may disrupt the consensus splice site. In summary, the available evidence is currently insufficient to determine the role of this variant in disease. Therefore, it has been classified as a Variant of Uncertain Significance.

All of Us Research Program, National Institutes of Health
Classification: Uncertain significance for Arrhythmogenic right ventricular dysplasia 5. Last evaluated: 2024-05-14. Review status: criteria provided, single submitter. Criteria: ACMG Guidelines, 2015. Collection method: clinical testing. Allele origin: germline. Inheritance: Autosomal dominant inheritance. Observed: 1 variant allele, 1 heterozygote.
Comment: This variant causes a deletion of 10 nucleotides from +6 to +15 positions in intron 1 splice donor site of the TMEM43 gene. To our knowledge, functional studies have not been reported for this variant. This variant has not been reported in individuals affected with TMEM43-related disorders in the literature. This variant has not been identified in the general population by the Genome Aggregation Database (gnomAD). The available evidence is insufficient to determine the role of this variant in disease conclusively. Therefore, this variant is classified as a Variant of Uncertain Significance.

This study involves interpretation of variants in research participants for the purpose of population health screening. Participant phenotype was not available at the time of variant classification. Additional details can be found in publication PMID: 35346344, PMCID: PMC8962531

Literature cited by the submitters: PubMed 17576681 (cited by Labcorp Genetics (formerly Invitae), Labcorp); PubMed 9536098 (cited by Labcorp Genetics (formerly Invitae), Labcorp).

NM_024334.3(TMEM43):c.12+6_12+15del

Gene: TMEM43 (transmembrane protein 43; plus strand). Cytogenetic location: 3p25.1.
Variant type: Deletion.
Coding change: c.12+6_12+15del on transcript NM_024334.3 (MANE Select); bases 6 to 15 of the intron after coding-DNA position 12, 10 bases deleted (TATCCCCGGG; older notation c.12+6_12+15delTATCCCCGGG).
Molecular consequence: intron variant.
Genome position (GRCh38, 1-based): chr3:14,125,211-14,125,220, TATCCCCGGG deleted; deleting any 10 consecutive bases within chr3:14,125,210-14,125,220 gives the same sequence; the c. name uses the placement nearest the transcript's 3' end. VCF-style (leftmost placement, unchanged base first): chr3-14125209-AGTATCCCCGG-A. GRCh37 (hg19) VCF-style: chr3-14166709-AGTATCCCCGG-A.
Other names: c.12+6_12+15del (NM_001407274.1, NM_001407276.1, NM_001407275.1 and 4 more transcripts).
Identifiers: ClinVar variation 3386075 (VCV003386075.2).